The following is an entry in ClinVar:

NM_021072.4(HCN1):c.160G>C (p.Gly54Arg)

Gene: HCN1 (hyperpolarization activated cyclic nucleotide gated potassium channel 1; minus strand). Cytogenetic location: 5p12.
Variant type: single nucleotide variant.
Coding change: c.160G>C on transcript NM_021072.4 (MANE Select); coding-DNA position 160, G replaced by C.
Protein change: p.Gly54Arg; replaces glycine 54 with arginine.
Molecular consequence: missense variant.
Genome position (GRCh38, 1-based): chr5:45,695,934, C>G on the plus strand (G>C on the coding strand, the complement: HCN1 is on the minus strand). VCF-style: chr5-45695934-C-G. GRCh37 (hg19) VCF-style: chr5-45696036-C-G.
Other names: short protein forms G54R.
Identifiers: ClinVar variation 985240 (VCV000985240.6), dbSNP rs1245405853, ClinGen allele CA359706625.

ClinVar aggregate classification (germline): Uncertain significance. Review status: criteria provided, multiple submitters, no conflicts (2 of 4 stars). 2 submissions from 2 submitters: Uncertain significance (2). Last evaluated 2025-10-02.

Conditions:
Inborn genetic diseases. Identifiers: MedGen C0950123, MeSH D030342.
Early-infantile DEE. Also called: Early infantile epileptic encephalopathy; Early infantile epileptic encephalopathy with suppression bursts; Ohtahara syndrome. Identifiers: Orphanet 1934, MedGen C0393706, MONDO:0800491.

Allele frequency attached by ClinVar (database versions not stated): gnomAD 0.00002; TOPMed 0.00002.
gnomAD v4.1: 77 of 1,420,712 alleles (0.0054%); highest among the groups gnomAD compares: Non-Finnish European, 0.0069%; no homozygotes.

Submissions (2):

Labcorp Genetics (formerly Invitae), Labcorp
Classification: Uncertain significance for Early-infantile DEE. Last evaluated: 2025-10-02. Review status: criteria provided, single submitter. Criteria: Invitae Variant Classification Sherloc (09022015). Collection method: clinical testing. Allele origin: germline.
Comment: This sequence change replaces glycine, which is neutral and non-polar, with arginine, which is basic and polar, at codon 54 of the HCN1 protein (p.Gly54Arg). This variant is present in population databases (no rsID available, gnomAD 0.008%). This variant has not been reported in the literature in individuals affected with HCN1-related conditions. ClinVar contains an entry for this variant (Variation ID: 985240). Invitae Evidence Modeling of protein sequence and biophysical properties (such as structural, functional, and spatial information, amino acid conservation, physicochemical variation, residue mobility, and thermodynamic stability) indicates that this missense variant is not expected to disrupt HCN1 protein function with a negative predictive value of 95%. In summary, the available evidence is currently insufficient to determine the role of this variant in disease. Therefore, it has been classified as a Variant of Uncertain Significance.

Ambry Genetics
Classification: Uncertain significance for Inborn genetic diseases. Last evaluated: 2018-05-02. Review status: criteria provided, single submitter. Criteria: Ambry exome assertion method (8-5-2015). Collection method: clinical testing. Allele origin: germline. Affected: yes. Observed: 1 variant allele.